The following is an entry in ClinVar:

ClinVar aggregate classification (germline): Likely benign. Review status: criteria provided, multiple submitters, no conflicts (2 of 4 stars). 2 submissions from 2 submitters: Likely benign (2). Last evaluated 2025-05-19.

Conditions:
CDH23-related disorder. Also called: CDH23-related condition; CDH23-related disorders.

gnomAD v4.1: 6 of 1,613,808 alleles (0.00037%); highest among the groups gnomAD compares: African/African-American, 0.008%; no homozygotes.

Submissions (2):

PreventionGenetics, part of Exact Sciences
Classification: Likely benign for CDH23-related condition. Last evaluated: 2025-05-19. Review status: criteria provided, single submitter. Criteria: ACMG Guidelines, 2015. Collection method: clinical testing. Allele origin: germline.
Comment: This variant is classified as likely benign based on ACMG/AMP sequence variant interpretation guidelines (Richards et al. 2015 PMID: 25741868, with internal and published modifications).

Labcorp Genetics (formerly Invitae), Labcorp
Classification: Likely benign. Last evaluated: 2020-01-10. Review status: criteria provided, single submitter. Criteria: Invitae Variant Classification Sherloc (09022015). Collection method: clinical testing. Allele origin: germline.

NM_022124.6(CDH23):c.6870G>T (p.Thr2290=)

Gene: CDH23 (cadherin related 23; plus strand). Cytogenetic location: 10q22.1.
Variant type: single nucleotide variant.
Coding change: c.6870G>T on transcript NM_022124.6 (MANE Select); coding-DNA position 6870, G replaced by T.
Protein change: p.Thr2290=; no amino-acid change (threonine 2290 retained).
Molecular consequence: synonymous variant.
Genome position (GRCh38, 1-based): chr10:71,798,394, G>T. VCF-style: chr10-71798394-G-T. GRCh37 (hg19) VCF-style: chr10-73558151-G-T.
Other names: c.150G>T, p.Thr50= (NM_001171933.1, NM_001171934.1); c.6870G>T (NM_022124.5).
Identifiers: ClinVar variation 1117611 (VCV001117611.10), dbSNP rs778092747, ClinGen allele CA209469563.